The following is an entry in ClinVar:

ClinVar aggregate classification (germline): Uncertain significance (1 of 4 stars; one submission).

Conditions:
Inborn genetic diseases. Identifiers: MedGen C0950123, MeSH D030342.

Allele frequency attached by ClinVar (database versions not stated): ExAC 0.00002; gnomAD 0.00002; TOPMed 0.00002; gnomAD exomes 0.00003; ESP Exome Variant Server 0.00008.
gnomAD v4.1: 42 of 1,614,064 alleles (0.0026%); highest among the groups gnomAD compares: Middle Eastern, 0.016%; no homozygotes.

Submission:

Ambry Genetics
Classification: Uncertain significance for Inborn genetic diseases. Last evaluated: 2021-12-02. Review status: criteria provided, single submitter. Criteria: Ambry Variant Classification Scheme 2023. Collection method: clinical testing. Allele origin: germline.
Comment: The p.I257T variant (also known as c.770T>C), located in coding exon 6 of the BMPR2 gene, results from a T to C substitution at nucleotide position 770. The isoleucine at codon 257 is replaced by threonine, an amino acid with similar properties. This amino acid position is conserved. In addition, this alteration is predicted to be deleterious by in silico analysis. Since supporting evidence is limited at this time, the clinical significance of this alteration remains unclear.

NM_001204.7(BMPR2):c.770T>C (p.Ile257Thr)

Gene: BMPR2 (bone morphogenetic protein receptor type 2; plus strand). Cytogenetic location: 2q33.2.
Variant type: single nucleotide variant.
Coding change: c.770T>C on transcript NM_001204.7 (MANE Select); coding-DNA position 770, T replaced by C.
Protein change: p.Ile257Thr; replaces isoleucine 257 with threonine.
Molecular consequence: missense variant.
Genome position (GRCh38, 1-based): chr2:202,518,970, T>C. VCF-style: chr2-202518970-T-C. GRCh37 (hg19) VCF-style: chr2-203383693-T-C.
Other names: short protein forms I257T.
Identifiers: ClinVar variation 1760264 (VCV001760264.2), dbSNP rs368027047, ClinGen allele CA2061201.